The following is an entry in ClinVar:

ClinVar aggregate classification (germline): Likely pathogenic (1 of 4 stars; one submission).

Conditions:
Familial hypocalciuric hypercalcemia (FHH). Also called: Familial benign hypercalcemia. Identifiers: Orphanet 405, MedGen C1809471, MONDO:0018458.

Submission:

Women's Health and Genetics/Laboratory Corporation of America, LabCorp
Classification: Likely pathogenic for Familial hypocalciuric hypercalcemia. Last evaluated: 2021-09-22. Review status: criteria provided, single submitter. Criteria: LabCorp Variant Classification Summary - May 2015. Collection method: clinical testing. Allele origin: germline.
Comment: Variant summary: CASR c.1377+2T>A is located in a canonical splice-site and is predicted to affect mRNA splicing resulting in a significantly altered protein due to either exon skipping, shortening, or inclusion of intronic material. Several computational tools predict a significant impact on normal splicing: Four predict the variant abolishes a 5` splicing donor site. However, these predictions have yet to be confirmed by functional studies. The variant was absent in 244478 control chromosomes (gnomAD). To our knowledge, no occurrence of c.1377+2T>A in individuals affected with Familial Hypocalciuric Hypercalcemia/Autosomal Dominant Hypocalcemia and no experimental evidence demonstrating its impact on protein function have been reported. No clinical diagnostic laboratories have submitted clinical-significance assessments for this variant to ClinVar after 2014. Based on the evidence outlined above, the variant was classified as likely pathogenic.

NM_000388.4(CASR):c.1377+2T>A

Gene: CASR (calcium sensing receptor; plus strand). Cytogenetic location: 3q21.1.
Variant type: single nucleotide variant.
Coding change: c.1377+2T>A on transcript NM_000388.4 (MANE Select); the canonical splice donor site of the intron after coding-DNA position 1377, T replaced by A.
Molecular consequence: splice donor variant.
Genome position (GRCh38, 1-based): chr3:122,262,414, T>A. VCF-style: chr3-122262414-T-A. GRCh37 (hg19) VCF-style: chr3-121981261-T-A.
Other names: c.1377+2T>A (NM_001178065.2).
Identifiers: ClinVar variation 1301323 (VCV001301323.1), dbSNP rs78925326, ClinGen allele CA354153451.